The following is an entry in ClinVar:

NC_000023.11:g.120574589T>C

Gene: CUL4B (cullin 4B; minus strand). Cytogenetic location: Xq24.
Variant type: single nucleotide variant.
Molecular consequence: missense variant (on NM_003588.4).
Genome position: GRCh38 VCF-style: chrX-120574589-T-C. GRCh37 (hg19) VCF-style: chrX-119708444-T-C.
Other names: c.29A>G, p.Asp10Gly (NM_003588.4); short protein forms D10G.
Identifiers: ClinVar variation 3720784 (VCV003720784.3).

ClinVar aggregate classification (germline): Uncertain significance (1 of 4 stars; one submission).

Conditions:
X-linked intellectual disability Cabezas type (MRXSC). Also called: CABEZAS SYNDROME; MENTAL RETARDATION, X-LINKED, SYNDROMIC 15; Intellectual developmental disorder, X-linked syndromic, Cabezas type. Identifiers: Orphanet 85289, Orphanet 85293, MedGen C1845861, MONDO:0010306, OMIM 300354.

Submissions (2):

Labcorp Genetics (formerly Invitae), Labcorp
Classification: Uncertain significance for X-linked intellectual disability Cabezas type. Last evaluated: 2025-01-08. Review status: criteria provided, single submitter. Criteria: Invitae Variant Classification Sherloc (09022015). Collection method: clinical testing. Allele origin: germline.
Comment: This sequence change replaces aspartic acid, which is acidic and polar, with glycine, which is neutral and non-polar, at codon 10 of the CUL4B protein (p.Asp10Gly). This variant is not present in population databases (gnomAD no frequency). This variant has not been reported in the literature in individuals affected with CUL4B-related conditions. Invitae Evidence Modeling of protein sequence and biophysical properties (such as structural, functional, and spatial information, amino acid conservation, physicochemical variation, residue mobility, and thermodynamic stability) indicates that this missense variant is not expected to disrupt CUL4B protein function with a negative predictive value of 80%. In summary, the available evidence is currently insufficient to determine the role of this variant in disease. Therefore, it has been classified as a Variant of Uncertain Significance.

Dr. Peter K. Rogan Lab, Western University
No classification provided (evidence only). Condition: Thyroid cancer, nonmedullary, 1. Review status: no classification provided. Collection method: in vitro. Allele origin: not applicable. Functional consequence: retained intron. Not counted in ClinVar's aggregate classification.